The following is an entry in ClinVar:

NM_015404.4(WHRN):c.2653G>A (p.Ala885Thr)

Gene: WHRN (whirlin; minus strand). Cytogenetic location: 9q32.
Variant type: single nucleotide variant.
Coding change: c.2653G>A on transcript NM_015404.4 (MANE Select); coding-DNA position 2653, G replaced by A.
Protein change: p.Ala885Thr; replaces alanine 885 with threonine.
Molecular consequence: missense variant.
Genome position (GRCh38, 1-based): chr9:114,402,825, C>T on the plus strand (G>A on the coding strand, the complement: WHRN is on the minus strand). VCF-style: chr9-114402825-C-T. GRCh37 (hg19) VCF-style: chr9-117165105-C-T.
Other names: c.1504G>A, p.Ala502Thr (NM_001083885.3); c.2650G>A, p.Ala884Thr (NM_001173425.2); c.1600G>A, p.Ala534Thr (NM_001346890.1); short protein forms A884T, A502T, A885T, A534T.
Identifiers: ClinVar variation 912451 (VCV000912451.14), dbSNP rs143464875, ClinGen allele CA5205561.
Genomic context (GRCh38, chr9:114,402,825, plus strand): 5'-CATTGAACTCAGTGACCAGAAAGTCAATGTAGTCACGGTCCTTAGTCTTGAAGGCCTCGG[C>T]GATAATGCGGGCGGCCTCCCGGTGCTCCTTGCCCCGAAGCGTCAGCCCATTCACTTCCAG-3'
Protein context (NP_056219.3, residues 875-895): KEHREAARII[Ala885Thr]EAFKTKDRDY

ClinVar aggregate classification (germline): Uncertain significance. Review status: criteria provided, multiple submitters, no conflicts (2 of 4 stars). 4 submissions from 3 submitters: Uncertain significance (4). Last evaluated 2024-11-15.

Conditions:
Usher syndrome type 2D. Also called: USHER SYNDROME, TYPE IID. Identifiers: Orphanet 231178, Orphanet 886, MedGen C1568249, MONDO:0012662, OMIM 611383.
Autosomal recessive nonsyndromic hearing loss 31. Also called: WHIRLER, MOUSE, HOMOLOG OF. Identifiers: Orphanet 90636, MedGen C1846839, MONDO:0011767, OMIM 607084.

Allele frequency attached by ClinVar (database versions not stated): ExAC 0.00001; gnomAD exomes 0.00001 and 0.00005; gnomAD 0.00003; TOPMed 0.00004; ESP Exome Variant Server 0.00008.
gnomAD v4.1: 79 of 1,613,974 alleles (0.0049%); highest among the groups gnomAD compares: Non-Finnish European, 0.006%; no homozygotes.

Submissions (4):

Blueprint Genetics
Classification: Uncertain significance. Last evaluated: 2024-11-15. Review status: criteria provided, single submitter. Criteria: ACMG Guidelines, 2015. Collection method: clinical testing. Allele origin: germline.

Labcorp Genetics (formerly Invitae), Labcorp
Classification: Uncertain significance. Last evaluated: 2022-11-29. Review status: criteria provided, single submitter. Criteria: Invitae Variant Classification Sherloc (09022015). Collection method: clinical testing. Allele origin: germline.
Comment: In summary, the available evidence is currently insufficient to determine the role of this variant in disease. Therefore, it has been classified as a Variant of Uncertain Significance. Algorithms developed to predict the effect of missense changes on protein structure and function are either unavailable or do not agree on the potential impact of this missense change (SIFT: "Deleterious"; PolyPhen-2: "Probably Damaging"; Align-GVGD: "Class C0"). ClinVar contains an entry for this variant (Variation ID: 912451). This variant has not been reported in the literature in individuals affected with WHRN-related conditions. This variant is present in population databases (rs143464875, gnomAD 0.002%). This sequence change replaces alanine, which is neutral and non-polar, with threonine, which is neutral and polar, at codon 885 of the WHRN protein (p.Ala885Thr).

Illumina Laboratory Services, Illumina
Classification: Uncertain significance for Autosomal recessive nonsyndromic hearing loss 31. Last evaluated: 2018-01-13. Review status: criteria provided, single submitter. Criteria: ICSL Variant Classification Criteria 13 December 2019. Collection method: clinical testing. Allele origin: germline.

Illumina Laboratory Services, Illumina
Classification: Uncertain significance for Usher syndrome type 2D. Last evaluated: 2018-01-13. Review status: criteria provided, single submitter. Criteria: ICSL Variant Classification Criteria 13 December 2019. Collection method: clinical testing. Allele origin: germline.